The following is an entry in ClinVar:

NM_001113491.2(SEPTIN9):c.1477-9G>A

Gene: SEPTIN9 (septin 9; plus strand). Cytogenetic location: 17q25.3.
Variant type: single nucleotide variant.
Coding change: c.1477-9G>A on transcript NM_001113491.2 (MANE Select); 9 bases into the intron before coding-DNA position 1477, G replaced by A.
Molecular consequence: intron variant.
Genome position (GRCh38, 1-based): chr17:77,492,971, G>A. VCF-style: chr17-77492971-G-A. GRCh37 (hg19) VCF-style: chr17-75489053-G-A.
Other names: c.1420-9G>A (NM_001293695.2); c.985-9G>A (NM_001113492.2, NM_001113494.1); c.1423-9G>A (NM_006640.5); c.1456-9G>A (NM_001113493.2); c.805-9G>A (NM_001293696.2); c.724-9G>A (NM_001113496.2, NM_001293697.2, NM_001293698.2 and 1 more transcripts).
Identifiers: ClinVar variation 325563 (VCV000325563.16), dbSNP rs145143440, ClinGen allele CA8793824.

ClinVar aggregate classification (germline): Benign/Likely benign. Review status: criteria provided, multiple submitters, no conflicts (2 of 4 stars). 5 submissions from 5 submitters: Benign (3); Likely benign (2). Last evaluated 2026-06-18.

Conditions:
Amyotrophic neuralgia (HNA). Also called: Hereditary Brachial Plexus Neuropathy; Neuritis with Brachial Predilection; AMYOTROPHY, HEREDITARY NEURALGIC, WITH PREDILECTION FOR BRACHIAL PLEXUS; AMYOTROPHY, HEREDITARY NEURALGIC. Identifiers: Orphanet 2901, MedGen C1834304, MONDO:0008076, OMIM 162100.

Allele frequency attached by ClinVar (database versions not stated): ESP Exome Variant Server 0.00057; 1000 Genomes Project 30x 0.00094; 1000 Genomes Project 0.00100; TOPMed 0.00123; gnomAD 0.00156.
gnomAD v4.1: 375 of 1,560,708 alleles (0.024%); highest among the groups gnomAD compares: African/African-American, 0.41%; 1 homozygote.

Submissions (5):

Women's Health and Genetics/Laboratory Corporation of America, LabCorp
Classification: Benign. Last evaluated: 2026-06-18. Review status: criteria provided, single submitter. Criteria: LabCorp Variant Classification Summary - May 2015. Collection method: clinical testing. Allele origin: germline.
Comment: Variant summary: SEPTIN9 c.1423-9G>A alters a nucleotide located at a position not widely known to affect splicing. Consensus agreement among computation tools predict no significant impact on normal splicing. However, these predictions have yet to be confirmed by functional studies. The variant allele was found at a frequency of 0.00024 in 1560708 control chromosomes, predominantly at a frequency of 0.0041 within the African or African-American subpopulation in the gnomAD database, including 1 homozygote. The observed variant frequency within African or African-American control individuals in the gnomAD database exceeds the estimated maximal expected allele frequency for disease-causing variants in SEPTIN9. To our knowledge, no occurrence of c.1423-9G>A in individuals affected with SEPTIN9-related conditions and no experimental evidence demonstrating its impact on protein function have been reported. ClinVar contains an entry for this variant (Variation ID: 325563). Based on the evidence outlined above, the variant was classified as benign.

Labcorp Genetics (formerly Invitae), Labcorp
Classification: Likely benign. Last evaluated: 2025-11-16. Review status: criteria provided, single submitter. Criteria: Invitae Variant Classification Sherloc (09022015). Collection method: clinical testing. Allele origin: germline.

Blueprint Genetics
Classification: Likely benign. Last evaluated: 2024-03-09. Review status: criteria provided, single submitter. Criteria: ACMG Guidelines, 2015. Collection method: clinical testing. Allele origin: germline.

Genome-Nilou Lab
Classification: Benign for Amyotrophic neuralgia. Last evaluated: 2021-12-05. Review status: criteria provided, single submitter. Criteria: ACMG Guidelines, 2015. Collection method: clinical testing. Allele origin: germline. Affected: no.

Illumina Laboratory Services, Illumina
Classification: Benign for Amyotrophy, hereditary neuralgic. Last evaluated: 2018-01-12. Review status: criteria provided, single submitter. Criteria: ICSL Variant Classification Criteria 13 December 2019. Collection method: clinical testing. Allele origin: germline.
Comment: This variant was observed in the ICSL laboratory as part of a predisposition screen in an ostensibly healthy population. It had not been previously curated by ICSL or reported in the Human Gene Mutation Database (HGMD: prior to June 1st, 2018), and was therefore a candidate for classification through an automated scoring system. Utilizing variant allele frequency, disease prevalence and penetrance estimates, and inheritance mode, an automated score was calculated to assess if this variant is too frequent to cause the disease. Based on the score and internal cut-off values, a variant classified as benign is not then subjected to further curation. The score for this variant resulted in a classification of benign for this disease.